The following is an entry in ClinVar:

NM_000138.5(FBN1):c.3839-1G>T

Gene: FBN1 (fibrillin 1; minus strand). Cytogenetic location: 15q21.1.
Variant type: single nucleotide variant.
Coding change: c.3839-1G>T on transcript NM_000138.5 (MANE Select); the canonical splice acceptor site of the intron before coding-DNA position 3839, G replaced by T.
Molecular consequence: splice acceptor variant.
Genome position (GRCh38, 1-based): chr15:48,481,781, C>A on the plus strand (G>T on the coding strand, the complement: FBN1 is on the minus strand). VCF-style: chr15-48481781-C-A. GRCh37 (hg19) VCF-style: chr15-48773978-C-A.
Other names: c.3839-1G>T (NM_001406716.1).
Identifiers: ClinVar variation 200026 (VCV000200026.2), dbSNP rs794728211, ClinGen allele CA014581.

ClinVar aggregate classification (germline): Pathogenic (1 of 4 stars; one submission).

Submission:

GeneDx
Classification: Pathogenic. Last evaluated: 2014-07-11. Review status: criteria provided, single submitter. Criteria: GeneDx Variant Classification (06012015). Collection method: clinical testing. Allele origin: germline. Affected: yes.
Comment: c.3839-1 G>T: IVS31-1 G>T in intron 31 of the FBN1 gene (NM_000138.4)The c.3839-1 G>T mutation was described in association with Marfan syndrome in one study (Liu W et al., 1996). Liu W et al., suggested that this mutation, located in the EGF-like domain, significantly interferes with the microfibril formation. The c.3839-1 G>T mutation destroys the canonical splice acceptor site in intron 31 and is predicted to cause abnormal gene splicing. Other splice site mutations in the FBN1 gene have been reported in association with Marfan syndrome. Furthermore, the c.3839-1 G>T mutation was not observed in approximately 6,500 individuals of European and African American ancestry in the NHLBI Exome Sequencing Project, indicating it is not a common benign variant in these populations.In summary, c.3839-1 G>T in the FBN1 gene is interpreted as a disease-causing mutation. The variant is found in TAAD panel(s).